The following is an entry in ClinVar:

ClinVar aggregate classification (germline): Pathogenic (1 of 4 stars; one submission).

Conditions:
Mucopolysaccharidosis, MPS-II (MPS2). Also called: Hunter Syndrome; IDURONATE 2-SULFATASE DEFICIENCY; Mucopolysaccharidosis Type II; Mucopolysaccharidosis type 2; Attenuated MPS (subtype; formerly known as mild MPS II); Severe MPS II. Identifiers: Orphanet 580, Orphanet 79388, MedGen C0026705, MONDO:0010674, OMIM 309900.

Submission:

Laboratory of Diagnosis and Therapy of Lysosomal Disorders, University of Padova
Classification: Pathogenic for Mucopolysaccharidosis, MPS-II. Last evaluated: 2024-06-07. Review status: criteria provided, single submitter. Criteria: ACMG Guidelines, 2015. Collection method: literature only. Allele origin: germline. Affected: yes. Observed: 1 variant allele.
Comment: Null variant (PVS1_VeryStrong), Absent from controls (or at low frequency) in gnomAD database (PM2_Moderate), Patient’s phenotype or family history highly specific for the disease (PP4_Moderate)

Classification method: ACMG Guidelines [PMID:25741868] with modifications

Literature cited by the submitters: PubMed 21291454.

NM_000202.8(IDS):c.768del (p.Asp257fs)

Genes: IDS (iduronate 2-sulfatase; minus strand), LOC106050102 (IDS recombination region; plus strand). Cytogenetic location: Xq28.
Variant type: Deletion.
Coding change: c.768del on transcript NM_000202.8 (MANE Select); coding-DNA position 768, one base deleted (T; older notation c.768delT).
Protein change: p.Asp257fs; shifts the reading frame from aspartic acid 257.
Molecular consequence: frameshift variant. On other transcripts: non-coding transcript variant (1).
Genome position (GRCh38, 1-based): chrX:149,496,457, A deleted on the plus strand (T on the coding strand, the reverse complement: IDS is on the minus strand). VCF-style (leftmost placement, unchanged base first): chrX-149496456-CA-C. GRCh37 (hg19) VCF-style: chrX-148577987-CA-C.
Other names: c.498del, p.Asp167fs (NM_001166550.4); c.768del, p.Asp257fs (NM_006123.5); short protein forms D167fs, D257fs.
Identifiers: ClinVar variation 3255832 (VCV003255832.2).